The following is an entry in ClinVar:

ClinVar aggregate classification (germline): Conflicting classifications of pathogenicity. Review status: criteria provided, conflicting classifications (1 of 4 stars). 5 submissions from 5 submitters: Uncertain significance (1); Likely benign (4). Last evaluated 2026-04-07.

Conditions:
Cardiovascular phenotype. Identifiers: MedGen CN230736.
CACNA1C-related disorder. Also called: CACNA1C-related disorders; CACNA1C-related condition. Identifiers: MedGen CN381092, MONDO:0700321.
Long QT syndrome (LQTS). Identifiers: MedGen C0023976, MeSH D008133, MONDO:0002442. Disease mechanism: loss of function. Inheritance: Various modes of inheritance.

Allele frequency attached by ClinVar (database versions not stated): gnomAD 0.00002 and 0.00003; TOPMed 0.00003; ExAC 0.00006; gnomAD exomes 0.00009.
gnomAD v4.1: 57 of 1,612,938 alleles (0.0035%); highest among the groups gnomAD compares: East Asian, 0.047%; 1 homozygote.

Submissions (5):

PreventionGenetics, part of Exact Sciences
Classification: Likely benign for CACNA1C-related condition. Last evaluated: 2026-04-07. Review status: criteria provided, single submitter. Criteria: ACMG Guidelines, 2015. Collection method: clinical testing. Allele origin: germline.
Comment: This variant is classified as likely benign based on ACMG/AMP sequence variant interpretation guidelines (Richards et al. 2015 PMID: 25741868, with internal and published modifications).

Labcorp Genetics (formerly Invitae), Labcorp
Classification: Likely benign for Long QT syndrome. Last evaluated: 2026-01-02. Review status: criteria provided, single submitter. Criteria: Invitae Variant Classification Sherloc (09022015). Collection method: clinical testing. Allele origin: germline.

Blueprint Genetics
Classification: Likely benign. Last evaluated: 2024-05-23. Review status: criteria provided, single submitter. Criteria: ACMG Guidelines, 2015. Collection method: clinical testing. Allele origin: germline.

Ambry Genetics
Classification: Likely benign for Cardiovascular phenotype. Last evaluated: 2022-12-09. Review status: criteria provided, single submitter. Criteria: Ambry Variant Classification Scheme 2023. Collection method: clinical testing. Allele origin: germline.

Biesecker Lab/Clinical Genomics Section, National Institutes of Health
Classification: Uncertain significance. Last evaluated: 2013-06-24. Review status: criteria provided, single submitter. Criteria: Ng et al. (Circ Cardiovasc Genet. 2013). Collection method: research. Allele origin: unknown. Observed: 1 variant allele. Study: ClinSeq.
Comment: The study set was not selected for affection status in relation to any cancer. Pathogenicity categories were based on literature curation. See Pubmed ID:23861362 for details.

Medical sequencing

Literature cited by the submitters: PubMed 27707468 (cited by Ambry Genetics).

NM_000719.7(CACNA1C):c.5329C>T (p.Arg1777Cys)

Genes: CACNA1C (calcium voltage-gated channel subunit alpha1 C; plus strand), CACNA1C-AS1 (CACNA1C antisense RNA 1; minus strand). Cytogenetic location: 12p13.33.
Variant type: single nucleotide variant.
Coding change: c.5329C>T on transcript NM_000719.7 (MANE Select); coding-DNA position 5329, C replaced by T.
Protein change: p.Arg1777Cys; replaces arginine 1777 with cysteine.
Molecular consequence: missense variant.
Genome position (GRCh38, 1-based): chr12:2,679,681, C>T. VCF-style: chr12-2679681-C-T. GRCh37 (hg19) VCF-style: chr12-2788847-C-T.
Other names: c.5473C>T, p.Arg1825Cys (NM_001129827.2, NM_199460.4); c.5452C>T, p.Arg1818Cys (NM_001129829.2); c.5329C>T, p.Arg1777Cys (NM_001129830.3, NM_001129840.2, NM_001129841.2 and 4 more transcripts); c.5413C>T, p.Arg1805Cys (NM_001129831.2); c.5389C>T, p.Arg1797Cys (NM_001129832.2); c.5386C>T, p.Arg1796Cys (NM_001129833.2, NM_001129834.2, NM_001129835.2); c.5380C>T, p.Arg1794Cys (NM_001129836.2); c.5353C>T, p.Arg1785Cys (NM_001129837.2, NM_001129838.2); and 3 more; short protein forms R1777C, R1825C, R1796C, R1783C, R1785C, R1805C, R1818C, R1766C.
Identifiers: ClinVar variation 191424 (VCV000191424.16), dbSNP rs775251529, ClinGen allele CA236607.
Genomic context (GRCh38, chr12:2,679,681, plus strand): 5'-AGCTACTCGTCCACCGGCTCCAACGCCAACATCAACAACGCCAACAACACCGCCCTGGGT[C>T]GCCTCCCTCGCCCCGCCGGCTACCCCAGCACGGTCAGCACTGTGGAGGGCCACGGGCCCC-3'
Protein context (NP_000710.5, residues 1767-1787): INNANNTALG[Arg1777Cys]LPRPAGYPST